The following is an entry in ClinVar:

NM_032447.5(FBN3):c.1833C>T (p.Cys611=)

Gene: FBN3 (fibrillin 3; minus strand). Cytogenetic location: 19p13.2.
Variant type: single nucleotide variant.
Coding change: c.1833C>T on transcript NM_032447.5 (MANE Select); coding-DNA position 1833, C replaced by T.
Protein change: p.Cys611=; no amino-acid change (cysteine 611 retained).
Molecular consequence: synonymous variant.
Genome position (GRCh38, 1-based): chr19:8,131,711, G>A on the plus strand (C>T on the coding strand, the complement: FBN3 is on the minus strand). VCF-style: chr19-8131711-G-A. GRCh37 (hg19) VCF-style: chr19-8196595-G-A.
Other names: c.1833C>T, p.Cys611= (NM_001321431.2); c.1833C>T (NM_001321431.1).
Identifiers: ClinVar variation 720595 (VCV000720595.13), dbSNP rs34408601, ClinGen allele CA9153137.

ClinVar aggregate classification (germline): Benign. Review status: criteria provided, multiple submitters, no conflicts (2 of 4 stars). 3 submissions from 3 submitters: Benign (2). 1 of the submissions does not count toward it. Last evaluated 2025-12-02.

Conditions:
FBN3-related disorder. Also called: FBN3-related condition.

Allele frequency attached by ClinVar (database versions not stated): TOPMed 0.00407; gnomAD 0.00411 and 0.00374; ESP Exome Variant Server 0.00484; gnomAD exomes 0.00086; ExAC 0.00105; 1000 Genomes Project 0.00280; 1000 Genomes Project 30x 0.00359.
gnomAD v4.1: 1,038 of 1,613,912 alleles (0.064%); highest among the groups gnomAD compares: African/African-American, 1.3%; 7 homozygotes.

Submissions (3):

Labcorp Genetics (formerly Invitae), Labcorp
Classification: Benign. Last evaluated: 2025-12-02. Review status: criteria provided, single submitter. Criteria: Invitae Variant Classification Sherloc (09022015). Collection method: clinical testing. Allele origin: germline.

Breakthrough Genomics
Classification: Benign. Review status: criteria provided, single submitter. Criteria: ACMG Guidelines, 2015. Collection method: not provided. Allele origin: germline. Inheritance: Unknown mechanism. Affected: yes.

PreventionGenetics, part of Exact Sciences
Classification: Benign for FBN3-related condition. Last evaluated: 2019-04-04. Review status: no assertion criteria provided. Collection method: clinical testing. Allele origin: germline. Not counted in ClinVar's aggregate classification.
Comment: This variant is classified as benign based on ACMG/AMP sequence variant interpretation guidelines (Richards et al. 2015 PMID: 25741868, with internal and published modifications).